The following is an entry in ClinVar:

ClinVar aggregate classification (germline): Uncertain significance (1 of 4 stars; one submission).

Conditions:
Kabuki syndrome. Also called: Kabuki make-up syndrome; NIIKAWA-KUROKI SYNDROME. Identifiers: Orphanet 2322, MedGen C0796004, MONDO:0016512.

Submission:

Labcorp Genetics (formerly Invitae), Labcorp
Classification: Uncertain significance for Kabuki syndrome. Last evaluated: 2023-10-26. Review status: criteria provided, single submitter. Criteria: Invitae Variant Classification Sherloc (09022015). Collection method: clinical testing. Allele origin: germline.
Comment: This sequence change replaces proline, which is neutral and non-polar, with serine, which is neutral and polar, at codon 4331 of the KMT2D protein (p.Pro4331Ser). This variant is not present in population databases (gnomAD no frequency). This variant has not been reported in the literature in individuals affected with KMT2D-related conditions. Advanced modeling of protein sequence and biophysical properties (such as structural, functional, and spatial information, amino acid conservation, physicochemical variation, residue mobility, and thermodynamic stability) performed at Invitae indicates that this missense variant is not expected to disrupt KMT2D protein function with a negative predictive value of 95%. In summary, the available evidence is currently insufficient to determine the role of this variant in disease. Therefore, it has been classified as a Variant of Uncertain Significance.

NM_003482.4(KMT2D):c.12991C>T (p.Pro4331Ser)

Gene: KMT2D (lysine methyltransferase 2D; minus strand). Cytogenetic location: 12q13.12.
Variant type: single nucleotide variant.
Coding change: c.12991C>T on transcript NM_003482.4 (MANE Select); coding-DNA position 12991, C replaced by T.
Protein change: p.Pro4331Ser; replaces proline 4331 with serine.
Molecular consequence: missense variant.
Genome position (GRCh38, 1-based): chr12:49,031,714, G>A on the plus strand (C>T on the coding strand, the complement: KMT2D is on the minus strand). VCF-style: chr12-49031714-G-A. GRCh37 (hg19) VCF-style: chr12-49425497-G-A.
Other names: short protein forms P4331S.
Identifiers: ClinVar variation 2771952 (VCV002771952.3), dbSNP rs2120423223, ClinGen allele CA384708102.